The following is an entry in ClinVar:

ClinVar aggregate classification (germline): Uncertain significance (1 of 4 stars; one submission).

Conditions:
Menkes kinky-hair syndrome (MNK). Also called: Copper transport disease; Menkes Disease; Classic Menkes Disease. Identifiers: Orphanet 565, MedGen C0022716, MONDO:0010651, OMIM 309400.
X-linked distal spinal muscular atrophy type 3. Also called: ATP7A-Related Distal Motor Neuropathy; SPINAL MUSCULAR ATROPHY, DISTAL, X-LINKED RECESSIVE; NEURONOPATHY, DISTAL HEREDITARY MOTOR, X-LINKED; NEUROPATHY, DISTAL HEREDITARY MOTOR, X-LINKED. Identifiers: Orphanet 139557, MedGen C1845359, MONDO:0010338, OMIM 300489.
Cutis laxa, X-linked (OHS). Also called: EDS IX; Occipital horn syndrome. Identifiers: Orphanet 198, MedGen C0268353, MONDO:0010572, OMIM 304150.

gnomAD v4.1: 2 of 1,209,583 alleles (0.00017%); highest among the groups gnomAD compares: Non-Finnish European, 0.00022%; no homozygotes.

Submission:

Labcorp Genetics (formerly Invitae), Labcorp
Classification: Uncertain significance for X-linked distal spinal muscular atrophy type 3; Cutis laxa, X-linked; Menkes kinky-hair syndrome. Last evaluated: 2024-04-10. Review status: criteria provided, single submitter. Criteria: Invitae Variant Classification Sherloc (09022015). Collection method: clinical testing. Allele origin: germline.
Comment: This sequence change replaces valine, which is neutral and non-polar, with alanine, which is neutral and non-polar, at codon 521 of the ATP7A protein (p.Val521Ala). This variant is not present in population databases (gnomAD no frequency). This variant has not been reported in the literature in individuals affected with ATP7A-related conditions. Advanced modeling of protein sequence and biophysical properties (such as structural, functional, and spatial information, amino acid conservation, physicochemical variation, residue mobility, and thermodynamic stability) performed at Invitae indicates that this missense variant is not expected to disrupt ATP7A protein function with a negative predictive value of 95%. In summary, the available evidence is currently insufficient to determine the role of this variant in disease. Therefore, it has been classified as a Variant of Uncertain Significance.

NM_000052.7(ATP7A):c.1562T>C (p.Val521Ala)

Gene: ATP7A (ATPase copper transporting alpha; plus strand). Cytogenetic location: Xq21.1.
Variant type: single nucleotide variant.
Coding change: c.1562T>C on transcript NM_000052.7 (MANE Select); coding-DNA position 1562, T replaced by C.
Protein change: p.Val521Ala; replaces valine 521 with alanine.
Molecular consequence: missense variant.
Genome position (GRCh38, 1-based): chrX:78,003,091, T>C. VCF-style: chrX-78003091-T-C. GRCh37 (hg19) VCF-style: chrX-77258588-T-C.
Other names: c.1562T>C, p.Val521Ala (NM_001282224.2); short protein forms V521A.
Identifiers: ClinVar variation 3748272 (VCV003748272.2).